The following is an entry in ClinVar:

ClinVar aggregate classification (germline): Benign (1 of 4 stars; one submission).

Allele frequency attached by ClinVar (database versions not stated): TOPMed 0.00091; gnomAD exomes 0.00099; 1000 Genomes Project 0.00120; 1000 Genomes Project 30x 0.00125.
gnomAD v4.1: 381 of 398,896 alleles (0.096%); highest among the groups gnomAD compares: South Asian, 0.2%; 1 homozygote.

Submission:

CeGaT Center for Human Genetics Tuebingen
Classification: Benign. Last evaluated: 2026-05-01. Review status: criteria provided, single submitter. Criteria: CeGaT Center For Human Genetics Tuebingen Variant Classification Criteria Version 2. Collection method: clinical testing. Allele origin: germline. Affected: yes. Observed: 9 variant alleles.
Comment: KCNQ1OT1: BS1, BS2

NM_000218.3(KCNQ1):c.1514+26983C>T

Genes: KCNQ1 (potassium voltage-gated channel subfamily Q member 1; plus strand), KCNQ1OT1 (KCNQ1 opposite strand/antisense transcript 1; minus strand). Cytogenetic location: 11p15.5.
Variant type: single nucleotide variant.
Coding change: c.1514+26983C>T on transcript NM_000218.3 (MANE Select); 26983 bases into the intron after coding-DNA position 1514, C replaced by T.
Molecular consequence: intron variant. On other transcripts: non-coding transcript variant (1).
Genome position (GRCh38, 1-based): chr11:2,689,064, C>T. VCF-style: chr11-2689064-C-T. GRCh37 (hg19) VCF-style: chr11-2710294-C-T.
Other names: c.1244+26983C>T (NM_001406837.1); c.1418+26983C>T (NM_001406836.1); c.974+26983C>T (NM_001406838.1); c.1133+26983C>T (NM_181798.2).
Identifiers: ClinVar variation 3026351 (VCV003026351.22), dbSNP rs190348189, ClinGen allele CA216191075.